The following is an entry in ClinVar:

NM_000049.4(ASPA):c.432+2T>C

Genes: SPATA22 (spermatogenesis associated 22; minus strand), ASPA (aspartoacylase; plus strand). Cytogenetic location: 17p13.2.
Variant type: single nucleotide variant.
Coding change: c.432+2T>C on transcript NM_000049.4 (MANE Select); the canonical splice donor site of the intron after coding-DNA position 432, T replaced by C.
Molecular consequence: splice donor variant. On other transcripts: intron variant (2).
Genome position (GRCh38, 1-based): chr17:3,481,800, T>C. VCF-style: chr17-3481800-T-C. GRCh37 (hg19) VCF-style: chr17-3385094-T-C.
Other names: c.-73-12402A>G (NM_001321336.2, NM_001321337.2); c.432+2T>C (NM_001128085.1).
Identifiers: ClinVar variation 4818430 (VCV004818430.1).

ClinVar aggregate classification (germline): Likely pathogenic (1 of 4 stars; one submission).

Conditions:
Spongy degeneration of central nervous system. Also called: ACY2 DEFICIENCY; AMINOACYLASE 2 DEFICIENCY; ASP DEFICIENCY; ASPA DEFICIENCY; ASPARTOACYLASE DEFICIENCY; CANAVAN-VAN BOGAERT-BERTRAND DISEASE. Identifiers: Orphanet 141, MedGen C0206307, MONDO:0010079, OMIM 271900.

Submission:

Natera, Inc.
Classification: Likely pathogenic for Canavan Disease. Last evaluated: 2025-08-11. Review status: criteria provided, single submitter. Criteria: Natera Variant Classification Schema (03/2026). Collection method: clinical testing. Allele origin: germline.
Comment: The c.432+2T>C variant in ASPA is a canonical splice donor site variant predicted to affect pre-mRNA splicing, which may result in an abnormal transcript and altered protein product. This variant is expected to result in nonsense mediated decay, truncation, or a dysfunctional protein product. This variant is rare in the general population with a frequency below the threshold expected for the associated phenotype(s). Given the available evidence, this variant is classified as Likely Pathogenic.